The following is an entry in ClinVar:

NM_001206927.2(DNAH8):c.1946_1948dup (p.Lys649dup)

Gene: DNAH8 (dynein axonemal heavy chain 8; plus strand). Cytogenetic location: 6p21.2.
Variant type: Duplication.
Coding change: c.1946_1948dup on transcript NM_001206927.2 (MANE Select); coding-DNA positions 1946 to 1948, 3 bases duplicated (AAA; older notation c.1946_1948dupAAA).
Protein change: p.Lys649dup; duplicates lysine 649.
Molecular consequence: inframe insertion.
Genome position (GRCh38, 1-based): chr6:38,775,935-38,775,937, AAA duplicated; duplicating any 3 consecutive bases within chr6:38,775,933-38,775,937 gives the same sequence; the c. name uses the placement nearest the transcript's 3' end. VCF-style (leftmost placement, unchanged base first): chr6-38775932-C-CAAA. GRCh37 (hg19) VCF-style: chr6-38743708-C-CAAA.
Other names: c.1295_1297dup, p.Lys432dup (NM_001371.4).
Identifiers: ClinVar variation 1503311 (VCV001503311.6), dbSNP rs2127630927, ClinGen allele CA2573140302.
Genomic context (GRCh38, chr6:38,775,932, plus strand): 5'-AATATGACATTCTGGATCCAAGAAGGACAGAATTTGACACAGATTTCTTAGATTTCATGA[C>CAAA]AAAAATCAATGGTTTAGAGGTAAGTAATTATACCTACTTTTACTTAGTAAAGCTGAAAAG-3'

ClinVar aggregate classification (germline): Uncertain significance (1 of 4 stars; one submission).

Conditions:
Primary ciliary dyskinesia. Also called: Ciliary dyskinesia. Identifiers: Orphanet 244, MedGen C0008780, MONDO:0016575, HP:0012265.

Submission:

Labcorp Genetics (formerly Invitae), Labcorp
Classification: Uncertain significance for Primary ciliary dyskinesia. Last evaluated: 2021-11-12. Review status: criteria provided, single submitter. Criteria: Invitae Variant Classification Sherloc (09022015). Collection method: clinical testing. Allele origin: germline.
Comment: This variant, c.1946_1948dup, results in the insertion of 1 amino acid(s) of the DNAH8 protein (p.Lys649dup), but otherwise preserves the integrity of the reading frame. In summary, the available evidence is currently insufficient to determine the role of this variant in disease. Therefore, it has been classified as a Variant of Uncertain Significance. Experimental studies and prediction algorithms are not available or were not evaluated, and the functional significance of this variant is currently unknown. This variant has not been reported in the literature in individuals affected with DNAH8-related conditions. This variant is not present in population databases (gnomAD no frequency).